The following is an entry in ClinVar:

ClinVar aggregate classification (germline): Uncertain significance (1 of 4 stars; one submission).

Conditions:
PCSK1-related disorder. Also called: PCSK1-related condition.

gnomAD v4.1: 1 of 1,613,900 alleles (0.000062%); highest among the groups gnomAD compares: Non-Finnish European, 0.000085%; no homozygotes.

Submission:

PreventionGenetics, part of Exact Sciences
Classification: Uncertain significance for PCSK1-related condition. Last evaluated: 2026-08-05. Review status: criteria provided, single submitter. Criteria: ACMG Guidelines, 2015. Collection method: clinical testing. Allele origin: germline.
Comment: The PCSK1 c.784G>A variant is predicted to result in the amino acid substitution p.Asp262Asn. This variant was observed in a cohort of individuals with obesity, and in vitro functional studies show moderate evidence of loss of function (Supplemental Data Set, Shah et al. 2023. PubMed ID: 36864747). This variant is reported in 0.0065% of alleles in individuals of European (non-Finnish) descent in gnomAD. Although we suspect that this variant may be pathogenic, at this time, the clinical significance of this variant is uncertain due to the absence of conclusive functional and genetic evidence.

NM_000439.5(PCSK1):c.784G>A (p.Asp262Asn)

Genes: PCSK1 (proprotein convertase subtilisin/kexin type 1; minus strand), CAST (calpastatin; plus strand), LOC101929710 (uncharacterized LOC101929710; plus strand). Cytogenetic location: 5q15.
Variant type: single nucleotide variant.
Coding change: c.784G>A on transcript NM_000439.5 (MANE Select); coding-DNA position 784, G replaced by A.
Protein change: p.Asp262Asn; replaces aspartic acid 262 with asparagine.
Molecular consequence: missense variant. On other transcripts: intron variant (11).
Genome position (GRCh38, 1-based): chr5:96,412,416, C>T on the plus strand (G>A on the coding strand, the complement: PCSK1 is on the minus strand). VCF-style: chr5-96412416-C-T. GRCh37 (hg19) VCF-style: chr5-95748120-C-T.
Other names: c.643G>A, p.Asp215Asn (NM_001177875.2); c.-175+32764C>T (NM_001423254.1, NM_001423259.1, NM_001423255.1 and 6 more transcripts); c.-103+32764C>T (NM_001423253.1); c.-40+32764C>T (NM_001423258.1); short protein forms D262N, D215N.
Identifiers: ClinVar variation 4978337 (VCV004978337.1).